The following is an entry in ClinVar:

ClinVar aggregate classification (germline): Uncertain significance (1 of 4 stars; one submission).

Conditions:
Vitamin B2 deficiency. Identifiers: MedGen C0035528.

Submission:

Labcorp Genetics (formerly Invitae), Labcorp
Classification: Uncertain significance for Vitamin B2 deficiency. Last evaluated: 2024-08-24. Review status: criteria provided, single submitter. Criteria: Invitae Variant Classification Sherloc (09022015). Collection method: clinical testing. Allele origin: germline.
Comment: This sequence change replaces valine, which is neutral and non-polar, with leucine, which is neutral and non-polar, at codon 164 of the SLC52A1 protein (p.Val164Leu). This variant is not present in population databases (gnomAD no frequency). This variant has not been reported in the literature in individuals affected with SLC52A1-related conditions. Invitae Evidence Modeling of protein sequence and biophysical properties (such as structural, functional, and spatial information, amino acid conservation, physicochemical variation, residue mobility, and thermodynamic stability) indicates that this missense variant is not expected to disrupt SLC52A1 protein function with a negative predictive value of 80%. In summary, the available evidence is currently insufficient to determine the role of this variant in disease. Therefore, it has been classified as a Variant of Uncertain Significance.

NM_017986.4(SLC52A1):c.490G>C (p.Val164Leu)

Gene: SLC52A1 (solute carrier family 52 member 1; minus strand). Cytogenetic location: 17p13.2.
Variant type: single nucleotide variant.
Coding change: c.490G>C on transcript NM_017986.4 (MANE Select); coding-DNA position 490, G replaced by C.
Protein change: p.Val164Leu; replaces valine 164 with leucine.
Molecular consequence: missense variant.
Genome position (GRCh38, 1-based): chr17:5,033,999, C>G on the plus strand (G>C on the coding strand, the complement: SLC52A1 is on the minus strand). VCF-style: chr17-5033999-C-G. GRCh37 (hg19) VCF-style: chr17-4937294-C-G.
Other names: c.490G>C, p.Val164Leu (NM_001104577.2); short protein forms V164L.
Identifiers: ClinVar variation 3692804 (VCV003692804.2).
Genomic context (GRCh38, chr17:5,033,999, plus strand): 5'-GAGGCCCAGAGGTGCCATTGGTGGGCGCTGGTGGGCACTCGAGGCGGCCCACACCTTGCA[C>G]TAGGGCCAGCACACAGGGGAGTAGGGCACTGAGACCCTGACCCAGGAAGAAAGACCGTAA-3'
Protein context (NP_060456.3, residues 154-174): SALLPCVLAL[Val164Leu]QGVGRLECPP